The following is an entry in ClinVar:

NM_015570.4(AUTS2):c.869_870del (p.Ile289_Phe290insTer)

Gene: AUTS2 (activator of transcription and developmental regulator AUTS2; plus strand). Cytogenetic location: 7q11.22.
Variant type: Deletion.
Coding change: c.869_870del on transcript NM_015570.4 (MANE Select); coding-DNA positions 869 to 870, 2 bases deleted (TT; older notation c.869_870delTT).
Protein change: p.Ile289_Phe290insTer.
Molecular consequence: nonsense.
Genome position (GRCh38, 1-based): chr7:70,762,996-70,762,997, TT deleted; deleting any 2 consecutive bases within chr7:70,762,995-70,762,997 gives the same sequence; the c. name uses the placement nearest the transcript's 3' end. VCF-style (leftmost placement, unchanged base first): chr7-70762994-CTT-C. GRCh37 (hg19) VCF-style: chr7-70227980-CTT-C.
Other names: c.869_870del, p.Ile289_Phe290insTer (NM_001127231.3).
Identifiers: ClinVar variation 4995826 (VCV004995826.1).

ClinVar aggregate classification (germline): Likely pathogenic (1 of 4 stars; one submission).

Conditions:
AUTS2-related disorder. Also called: AUTS2-related condition.

Submission:

PreventionGenetics, part of Exact Sciences
Classification: Likely pathogenic for AUTS2-related condition. Last evaluated: 2025-11-04. Review status: criteria provided, single submitter. Criteria: ACMG Guidelines, 2015. Collection method: clinical testing. Allele origin: germline.
Comment: The AUTS2 c.869_870delTT variant is predicted to result in premature protein termination (p.Phe290*). To our knowledge, this variant has not been reported in the literature or in a large population database (gnomAD), indicating this variant is rare. This variant is interpreted as likely pathogenic.